The following is an entry in ClinVar:

ClinVar aggregate classification (germline): Uncertain significance. Review status: criteria provided, multiple submitters, no conflicts (2 of 4 stars). 2 submissions from 2 submitters: Uncertain significance (2). Last evaluated 2026-07-16.

Conditions:
Hereditary cancer-predisposing syndrome. Also called: Hereditary neoplastic syndrome; Neoplastic Syndromes, Hereditary; Tumor predisposition; Hereditary Cancer Syndrome. Identifiers: Orphanet 140162, MedGen C0027672, MeSH D009386, MONDO:0015356.
Cardiovascular phenotype. Identifiers: MedGen CN230736.

gnomAD v4.1: 1 of 1,611,974 alleles (0.000062%); highest among the groups gnomAD compares: Non-Finnish European, 0.000085%; no homozygotes.

Submissions (2):

Ambry Genetics
Classification: Uncertain significance for Cardiovascular phenotype; Hereditary cancer-predisposing syndrome. Last evaluated: 2026-07-16. Review status: criteria provided, single submitter. Criteria: Ambry Variant Classification Scheme 2023. Collection method: clinical testing. Allele origin: germline.
Comment: The c.2326-3C>G intronic variant results from a C to G substitution 3 nucleotides upstream from coding exon 20 in the LZTR1 gene. This nucleotide position is well conserved in available vertebrate species. In silico splice site analysis predicts that this alteration will weaken the native splice acceptor site. Based on the available evidence, the clinical significance of this variant remains unclear.

Labcorp Genetics (formerly Invitae), Labcorp
Classification: Uncertain significance. Last evaluated: 2024-12-10. Review status: criteria provided, single submitter. Criteria: Invitae Variant Classification Sherloc (09022015). Collection method: clinical testing. Allele origin: germline.
Comment: This sequence change falls in intron 19 of the LZTR1 gene. It does not directly change the encoded amino acid sequence of the LZTR1 protein. It affects a nucleotide within the consensus splice site. This variant is not present in population databases (gnomAD no frequency). This variant has not been reported in the literature in individuals affected with LZTR1-related conditions. Variants that disrupt the consensus splice site are a relatively common cause of aberrant splicing (PMID: 17576681, 9536098). Algorithms developed to predict the effect of sequence changes on RNA splicing suggest that this variant may disrupt the consensus splice site. In summary, the available evidence is currently insufficient to determine the role of this variant in disease. Therefore, it has been classified as a Variant of Uncertain Significance.

Literature cited by the submitters: PubMed 17576681 (cited by Labcorp Genetics (formerly Invitae), Labcorp); PubMed 9536098 (cited by Labcorp Genetics (formerly Invitae), Labcorp).

NM_006767.4(LZTR1):c.2326-3C>G

Gene: LZTR1 (leucine zipper like post translational regulator 1; plus strand). Cytogenetic location: 22q11.21.
Variant type: single nucleotide variant.
Coding change: c.2326-3C>G on transcript NM_006767.4 (MANE Select); 3 bases into the intron before coding-DNA position 2326, C replaced by G.
Molecular consequence: intron variant.
Genome position (GRCh38, 1-based): chr22:20,996,883, C>G. VCF-style: chr22-20996883-C-G. GRCh37 (hg19) VCF-style: chr22-21351172-C-G.
Other names: c.2326-3C>G (NM_006767.3).
Identifiers: ClinVar variation 3627682 (VCV003627682.3).